The following is an entry in ClinVar:

NM_012448.4(STAT5B):c.1084G>A (p.Val362Met)

Gene: STAT5B (signal transducer and activator of transcription 5B; minus strand). Cytogenetic location: 17q21.2.
Variant type: single nucleotide variant.
Coding change: c.1084G>A on transcript NM_012448.4 (MANE Select); coding-DNA position 1084, G replaced by A.
Protein change: p.Val362Met; replaces valine 362 with methionine.
Molecular consequence: missense variant.
Genome position (GRCh38, 1-based): chr17:42,218,236, C>T on the plus strand (G>A on the coding strand, the complement: STAT5B is on the minus strand). VCF-style: chr17-42218236-C-T. GRCh37 (hg19) VCF-style: chr17-40370254-C-T.
Other names: short protein forms V362M.
Identifiers: ClinVar variation 660268 (VCV000660268.11), dbSNP rs750053820, ClinGen allele CA8574124.

ClinVar aggregate classification (germline): Uncertain significance. Review status: criteria provided, multiple submitters, no conflicts (2 of 4 stars). 3 submissions from 3 submitters: Uncertain significance (3). Last evaluated 2025-06-07.

Conditions:
STAT5B-related disorder. Also called: STAT5B-related condition.
Inborn genetic diseases. Identifiers: MedGen C0950123, MeSH D030342.
Growth hormone insensitivity with immune dysregulation 1, autosomal recessive. Also called: GROWTH HORMONE INSENSITIVITY DUE TO POSTRECEPTOR DEFECT; LARON SYNDROME DUE TO POSTRECEPTOR DEFECT; Laron syndrome with immunodeficiency; GROWTH HORMONE INSENSITIVITY SYNDROME WITH IMMUNE DYSREGULATION 1, AUTOSOMAL RECESSIVE. Identifiers: Orphanet 220465, MedGen C5435698, MONDO:0100211, OMIM 245590.

Allele frequency attached by ClinVar (database versions not stated): gnomAD exomes 0.00001; ExAC 0.00002.
gnomAD v4.1: 17 of 1,614,172 alleles (0.0011%); highest among the groups gnomAD compares: Non-Finnish European, 0.0014%; no homozygotes.

Submissions (3):

Ambry Genetics
Classification: Uncertain significance for Inborn genetic diseases. Last evaluated: 2025-06-07. Review status: criteria provided, single submitter. Criteria: Ambry Variant Classification Scheme 2023. Collection method: clinical testing. Allele origin: germline.

Labcorp Genetics (formerly Invitae), Labcorp
Classification: Uncertain significance for Growth hormone insensitivity with immune dysregulation 1, autosomal recessive. Last evaluated: 2025-04-28. Review status: criteria provided, single submitter. Criteria: Invitae Variant Classification Sherloc (09022015). Collection method: clinical testing. Allele origin: germline.
Comment: This sequence change replaces valine, which is neutral and non-polar, with methionine, which is neutral and non-polar, at codon 362 of the STAT5B protein (p.Val362Met). This variant is present in population databases (rs750053820, gnomAD 0.002%). This variant has not been reported in the literature in individuals affected with STAT5B-related conditions. ClinVar contains an entry for this variant (Variation ID: 660268). Invitae Evidence Modeling of protein sequence and biophysical properties (such as structural, functional, and spatial information, amino acid conservation, physicochemical variation, residue mobility, and thermodynamic stability) indicates that this missense variant is not expected to disrupt STAT5B protein function with a negative predictive value of 80%. In summary, the available evidence is currently insufficient to determine the role of this variant in disease. Therefore, it has been classified as a Variant of Uncertain Significance.

PreventionGenetics, part of Exact Sciences
Classification: Uncertain significance for STAT5B-related condition. Last evaluated: 2023-03-20. Review status: criteria provided, single submitter. Criteria: ACMG Guidelines, 2015. Collection method: clinical testing. Allele origin: germline.
Comment: The STAT5B c.1084G>A variant is predicted to result in the amino acid substitution p.Val362Met. To our knowledge, this variant has not been reported in the literature. This variant is reported in 0.0018% of alleles in individuals of European (Non-Finnish) descent in gnomAD. At this time, the clinical significance of this variant is uncertain due to the absence of conclusive functional and genetic evidence.